The following is an entry in ClinVar:

ClinVar aggregate classification (germline): Pathogenic (1 of 4 stars; one submission).

Submission:

GeneDx
Classification: Pathogenic. Last evaluated: 2024-12-20. Review status: criteria provided, single submitter. Criteria: GeneDx Variant Classification Process June 2021. Collection method: clinical testing. Allele origin: germline. Affected: yes.
Comment: Nonsense variant predicted to result in protein truncation or nonsense mediated decay in a gene for which loss of function is a known mechanism of disease; Not observed at significant frequency in large population cohorts (gnomAD); This variant is associated with the following publications: (PMID: 37384309)

NM_022455.5(NSD1):c.1243C>T (p.Gln415Ter)

Gene: NSD1 (nuclear receptor binding SET domain protein 1; plus strand). Cytogenetic location: 5q35.3.
Variant type: single nucleotide variant.
Coding change: c.1243C>T on transcript NM_022455.5 (MANE Select); coding-DNA position 1243, C replaced by T.
Protein change: p.Gln415Ter; replaces glutamine 415 with a stop codon.
Molecular consequence: nonsense.
Genome position (GRCh38, 1-based): chr5:177,209,642, C>T. VCF-style: chr5-177209642-C-T. GRCh37 (hg19) VCF-style: chr5-176636643-C-T.
Other names: c.370C>T, p.Gln124Ter (NM_001365684.2, NM_001409306.1, NM_001409307.1 and 3 more transcripts); c.1243C>T, p.Gln415Ter (NM_001409301.1, NM_001409302.1, NM_001409303.1); c.823C>T, p.Gln275Ter (NM_001409304.1); c.490C>T, p.Gln164Ter (NM_001409305.1); short protein forms Q124*, Q164*, Q275*, Q415*.
Identifiers: ClinVar variation 3906533 (VCV003906533.1).